The following is an entry in ClinVar:

NM_004655.4(AXIN2):c.1877G>T (p.Ser626Ile)

Gene: AXIN2 (axin 2; minus strand). Cytogenetic location: 17q24.1.
Variant type: single nucleotide variant.
Coding change: c.1877G>T on transcript NM_004655.4 (MANE Select); coding-DNA position 1877, G replaced by T.
Protein change: p.Ser626Ile; replaces serine 626 with isoleucine.
Molecular consequence: missense variant. On other transcripts: intron variant (1).
Genome position (GRCh38, 1-based): chr17:65,536,899, C>A on the plus strand (G>T on the coding strand, the complement: AXIN2 is on the minus strand). VCF-style: chr17-65536899-C-A. GRCh37 (hg19) VCF-style: chr17-63533017-C-A.
Other names: c.1713-346G>T (NM_001363813.1); short protein forms S626I.
Identifiers: ClinVar variation 1781805 (VCV001781805.5), dbSNP rs2509406911, ClinGen allele CA400676430.

ClinVar aggregate classification (germline): Uncertain significance. Review status: criteria provided, multiple submitters, no conflicts (2 of 4 stars). 2 submissions from 2 submitters: Uncertain significance (2). Last evaluated 2024-05-19.

Conditions:
Hereditary cancer-predisposing syndrome. Also called: Neoplastic Syndromes, Hereditary; Tumor predisposition; Hereditary Cancer Syndrome; Hereditary neoplastic syndrome. Identifiers: Orphanet 140162, MedGen C0027672, MeSH D009386, MONDO:0015356.
Oligodontia-cancer predisposition syndrome. Also called: TOOTH AGENESIS-COLORECTAL CANCER SYNDROME. Identifiers: Orphanet 300576, MedGen C1837750, MONDO:0012075, OMIM 608615. Disease mechanism: loss of function.

Allele frequency attached by ClinVar (database versions not stated): gnomAD exomes below 0.00001.
gnomAD v4.1: 1 of 1,613,620 alleles (0.000062%); highest among the groups gnomAD compares: Non-Finnish European, 0.000085%; no homozygotes.

Submissions (2):

Ambry Genetics
Classification: Uncertain significance for Hereditary cancer-predisposing syndrome. Last evaluated: 2024-05-19. Review status: criteria provided, single submitter. Criteria: Ambry Variant Classification Scheme 2023. Collection method: clinical testing. Allele origin: germline.
Comment: The p.S626I variant (also known as c.1877G>T), located in coding exon 6 of the AXIN2 gene, results from a G to T substitution at nucleotide position 1877. The serine at codon 626 is replaced by isoleucine, an amino acid with dissimilar properties. This amino acid position is well conserved in available vertebrate species. In addition, the in silico prediction for this alteration is inconclusive. Since supporting evidence is limited at this time, the clinical significance of this alteration remains unclear.

Labcorp Genetics (formerly Invitae), Labcorp
Classification: Uncertain significance for Oligodontia-cancer predisposition syndrome. Last evaluated: 2024-03-21. Review status: criteria provided, single submitter. Criteria: Invitae Variant Classification Sherloc (09022015). Collection method: clinical testing. Allele origin: germline.
Comment: This sequence change replaces serine, which is neutral and polar, with isoleucine, which is neutral and non-polar, at codon 626 of the AXIN2 protein (p.Ser626Ile). This variant is not present in population databases (gnomAD no frequency). This variant has not been reported in the literature in individuals affected with AXIN2-related conditions. ClinVar contains an entry for this variant (Variation ID: 1781805). Advanced modeling of protein sequence and biophysical properties (such as structural, functional, and spatial information, amino acid conservation, physicochemical variation, residue mobility, and thermodynamic stability) performed at Invitae indicates that this missense variant is expected to disrupt AXIN2 protein function with a positive predictive value of 80%. In summary, the available evidence is currently insufficient to determine the role of this variant in disease. Therefore, it has been classified as a Variant of Uncertain Significance.